The following is an entry in ClinVar:

NM_001282597.3(CTNNA2):c.396C>T (p.Ser132=)

Gene: CTNNA2 (catenin alpha 2; plus strand). Cytogenetic location: 2p12.
Variant type: single nucleotide variant.
Coding change: c.396C>T on transcript NM_001282597.3 (MANE Select); coding-DNA position 396, C replaced by T.
Protein change: p.Ser132=; no amino-acid change (serine 132 retained).
Molecular consequence: synonymous variant.
Genome position (GRCh38, 1-based): chr2:79,858,110, C>T. VCF-style: chr2-79858110-C-T. GRCh37 (hg19) VCF-style: chr2-80085236-C-T.
Other names: c.396C>T, p.Ser132= (NM_001164883.2, NM_001399737.1, NM_004389.4); c.498C>T, p.Ser166= (NM_001282598.2).
Identifiers: ClinVar variation 5041024 (VCV005041024.1).
Genomic context (GRCh38, chr2:79,858,110, plus strand): 5'-TGACCCTTGCTCGTCGGTAAAGCGCGGCACCATGGTACGGGCGGCAAGGGCTTTGCTCTC[C>T]GCGGTGACACGCTTACTCATCCTGGCGGACATGGCAGATGTCATGAGACTTTTATCCCAT-3'
Protein context (NP_001269526.1, residues 122-142): TMVRAARALL[Ser132=]AVTRLLILAD

ClinVar aggregate classification (germline): Likely benign (1 of 4 stars; one submission).

gnomAD v4.1: 47 of 1,613,998 alleles (0.0029%); highest among the groups gnomAD compares: Admixed American, 0.047%; no homozygotes.

Submission:

CeGaT Center for Human Genetics Tuebingen
Classification: Likely benign. Last evaluated: 2026-09-01. Review status: criteria provided, single submitter. Criteria: CeGaT Center For Human Genetics Tuebingen Variant Classification Criteria Version 2. Collection method: clinical testing. Allele origin: germline. Affected: yes. Observed: 1 variant allele.
Comment: CTNNA2: BP4, BP7